The following is an entry in ClinVar:

ClinVar aggregate classification (germline): Uncertain significance. Review status: criteria provided, multiple submitters, no conflicts (2 of 4 stars). 2 submissions from 2 submitters: Uncertain significance (2). Last evaluated 2024-10-13.

Conditions:
Gastrointestinal defects and immunodeficiency syndrome 1 (GIDID1). Also called: Combined immunodeficiency-enteropathy spectrum. Identifiers: Orphanet 436252, MedGen C5968858, MONDO:0800030, OMIM 243150.

gnomAD v4.1: 14 of 1,612,928 alleles (0.00087%); highest among the groups gnomAD compares: East Asian, 0.0045%; no homozygotes.

Submissions (2):

Genomic Medicine Center of Excellence, King Faisal Specialist Hospital and Research Centre
Classification: Uncertain significance for Gastrointestinal defects and immunodeficiency syndrome 1. Last evaluated: 2024-10-13. Review status: criteria provided, single submitter. Criteria: ACMG Guidelines, 2015. Collection method: clinical testing. Allele origin: germline.
Comment: This variant (GRCh38; NM_020458.4:c.1199C>Tp.Ser400Leu) results in a missense mutation with the conversion of Serine (Polar amino acid) to Leucine (Nonpolar amino acid) in the TTC7A protein. Not observed at significant frequency in large population cohorts (gnomAD). This variant has a strong Conservation score. To our knowledge this variant not been previously curated or reported in public Database. A literature search was performed for the gene and associated variants. Based on this search no publications were found. Based on conflicting evidence or insufficient data to determine whether the variant is benign or pathogenic, the clinical significance of this alteration remains unclear. In summary, this variant meets our criteria for classification as of Unknown Clinical Significance based on the evidence outlined.

Blueprint Genetics
Classification: Uncertain significance. Last evaluated: 2021-06-12. Review status: criteria provided, single submitter. Criteria: ACMG Guidelines, 2015. Collection method: clinical testing. Allele origin: germline.

NM_020458.4(TTC7A):c.1199C>T (p.Ser400Leu)

Gene: TTC7A (tetratricopeptide repeat domain 7A; plus strand). Cytogenetic location: 2p21.
Variant type: single nucleotide variant.
Coding change: c.1199C>T on transcript NM_020458.4 (MANE Select); coding-DNA position 1199, C replaced by T.
Protein change: p.Ser400Leu; replaces serine 400 with leucine.
Molecular consequence: missense variant.
Genome position (GRCh38, 1-based): chr2:47,006,055, C>T. VCF-style: chr2-47006055-C-T. GRCh37 (hg19) VCF-style: chr2-47233194-C-T.
Other names: c.1199C>T, p.Ser400Leu (NM_001288951.2); c.1097C>T, p.Ser366Leu (NM_001288953.2); c.137C>T, p.Ser46Leu (NM_001288955.2); short protein forms S366L, S400L, S46L.
Identifiers: ClinVar variation 3363134 (VCV003363134.2).